The following is an entry in ClinVar:

NM_001205293.3(CACNA1E):c.726C>A (p.Phe242Leu)

Gene: CACNA1E (calcium voltage-gated channel subunit alpha1 E; plus strand). Cytogenetic location: 1q25.3.
Variant type: single nucleotide variant.
Coding change: c.726C>A on transcript NM_001205293.3 (MANE Select); coding-DNA position 726, C replaced by A.
Protein change: p.Phe242Leu; replaces phenylalanine 242 with leucine.
Molecular consequence: missense variant.
Genome position (GRCh38, 1-based): chr1:181,579,181, C>A. VCF-style: chr1-181579181-C-A. GRCh37 (hg19) VCF-style: chr1-181548317-C-A.
Other names: c.726C>A, p.Phe242Leu (NM_000721.4, NM_001205294.2); short protein forms F242L.
Identifiers: ClinVar variation 2763749 (VCV002763749.3), dbSNP rs2527316921, ClinGen allele CA343847158.

ClinVar aggregate classification (germline): Uncertain significance (1 of 4 stars; one submission).

Submission:

Labcorp Genetics (formerly Invitae), Labcorp
Classification: Uncertain significance. Last evaluated: 2023-06-03. Review status: criteria provided, single submitter. Criteria: Invitae Variant Classification Sherloc (09022015). Collection method: clinical testing. Allele origin: germline.
Comment: This sequence change replaces phenylalanine, which is neutral and non-polar, with leucine, which is neutral and non-polar, at codon 242 of the CACNA1E protein (p.Phe242Leu). This variant is not present in population databases (gnomAD no frequency). This variant has not been reported in the literature in individuals affected with CACNA1E-related conditions. Advanced modeling of protein sequence and biophysical properties (such as structural, functional, and spatial information, amino acid conservation, physicochemical variation, residue mobility, and thermodynamic stability) has been performed at Invitae for this missense variant, however the output from this modeling did not meet the statistical confidence thresholds required to predict the impact of this variant on CACNA1E protein function. In summary, the available evidence is currently insufficient to determine the role of this variant in disease. Therefore, it has been classified as a Variant of Uncertain Significance.